The following is an entry in ClinVar:

ClinVar aggregate classification (germline): Uncertain significance. Review status: criteria provided, multiple submitters, no conflicts (2 of 4 stars). 2 submissions from 2 submitters: Uncertain significance (2). Last evaluated 2025-04-02.

Allele frequency attached by ClinVar (database versions not stated): gnomAD 0.00001; gnomAD exomes 0.00002; TOPMed 0.00003; ExAC 0.00006; ESP Exome Variant Server 0.00008.
gnomAD v4.1: 38 of 1,613,384 alleles (0.0024%); highest among the groups gnomAD compares: South Asian, 0.023%; 1 homozygote.

Submissions (2):

Labcorp Genetics (formerly Invitae), Labcorp
Classification: Uncertain significance. Last evaluated: 2025-04-02. Review status: criteria provided, single submitter. Criteria: Invitae Variant Classification Sherloc (09022015). Collection method: clinical testing. Allele origin: germline.
Comment: This sequence change replaces arginine, which is basic and polar, with glutamine, which is neutral and polar, at codon 684 of the SLC7A14 protein (p.Arg684Gln). This variant is present in population databases (rs138821627, gnomAD 0.02%). This variant has not been reported in the literature in individuals affected with SLC7A14-related conditions. ClinVar contains an entry for this variant (Variation ID: 1913664). An algorithm developed to predict the effect of missense changes on protein structure and function (PolyPhen-2) suggests that this variant is likely to be tolerated. In summary, the available evidence is currently insufficient to determine the role of this variant in disease. Therefore, it has been classified as a Variant of Uncertain Significance.

Blueprint Genetics
Classification: Uncertain significance. Last evaluated: 2024-03-01. Review status: criteria provided, single submitter. Criteria: ACMG Guidelines, 2015. Collection method: clinical testing. Allele origin: germline.

NM_020949.3(SLC7A14):c.2051G>A (p.Arg684Gln)

Genes: SLC7A14 (solute carrier family 7 member 14; minus strand), SLC7A14-AS1 (SLC7A14 antisense RNA 1; plus strand). Cytogenetic location: 3q26.2.
Variant type: single nucleotide variant.
Coding change: c.2051G>A on transcript NM_020949.3 (MANE Select); coding-DNA position 2051, G replaced by A.
Protein change: p.Arg684Gln; replaces arginine 684 with glutamine.
Molecular consequence: missense variant. On other transcripts: non-coding transcript variant (3).
Genome position (GRCh38, 1-based): chr3:170,467,320, C>T on the plus strand (G>A on the coding strand, the complement: SLC7A14 is on the minus strand). VCF-style: chr3-170467320-C-T. GRCh37 (hg19) VCF-style: chr3-170185108-C-T.
Other names: short protein forms R684Q.
Identifiers: ClinVar variation 1913664 (VCV001913664.6), dbSNP rs138821627, ClinGen allele CA2701518.